The following is an entry in ClinVar:

NM_005762.3(TRIM28):c.2300G>A (p.Arg767His)

Gene: TRIM28 (tripartite motif containing 28; plus strand). Cytogenetic location: 19q13.43.
Variant type: single nucleotide variant.
Coding change: c.2300G>A on transcript NM_005762.3 (MANE Select); coding-DNA position 2300, G replaced by A.
Protein change: p.Arg767His; replaces arginine 767 with histidine.
Molecular consequence: missense variant.
Genome position (GRCh38, 1-based): chr19:58,550,253, G>A. VCF-style: chr19-58550253-G-A. GRCh37 (hg19) VCF-style: chr19-59061620-G-A.
Other names: short protein forms R767H.
Identifiers: ClinVar variation 2219929 (VCV002219929.5), dbSNP rs200494482, ClinGen allele CA9719556.

ClinVar aggregate classification (germline): Uncertain significance. Review status: criteria provided, multiple submitters, no conflicts (2 of 4 stars). 3 submissions from 3 submitters: Uncertain significance (3). Last evaluated 2025-12-24.

Conditions:
Wilms tumor 1 (WT1). Also called: Wilms tumor, somatic. Identifiers: Orphanet 654, MedGen CN033288, MONDO:0008679, OMIM 194070.

Allele frequency attached by ClinVar (database versions not stated): gnomAD 0.00009; TOPMed 0.00010; ESP Exome Variant Server 0.00015.
gnomAD v4.1: 273 of 1,613,984 alleles (0.017%); highest among the groups gnomAD compares: Non-Finnish European, 0.02%; no homozygotes.

Submissions (3):

Labcorp Genetics (formerly Invitae), Labcorp
Classification: Uncertain significance. Last evaluated: 2025-12-24. Review status: criteria provided, single submitter. Criteria: Invitae Variant Classification Sherloc (09022015). Collection method: clinical testing. Allele origin: germline.
Comment: This sequence change replaces arginine, which is basic and polar, with histidine, which is basic and polar, at codon 767 of the TRIM28 protein (p.Arg767His). This variant is present in population databases (rs200494482, gnomAD 0.01%). This variant has not been reported in the literature in individuals affected with TRIM28-related conditions. ClinVar contains an entry for this variant (Variation ID: 2219929). Experimental studies and prediction algorithms are not available or were not evaluated, and the functional significance of this variant is currently unknown. In summary, the available evidence is currently insufficient to determine the role of this variant in disease. Therefore, it has been classified as a Variant of Uncertain Significance.

St. Jude Molecular Pathology, St. Jude Children's Research Hospital
Classification: Uncertain significance for Wilms tumor 1. Last evaluated: 2023-11-06. Review status: criteria provided, single submitter. Criteria: St. Jude Assertion Criteria 2020. Collection method: clinical testing. Allele origin: germline.
Comment: The TRIM28 c.2300G>A (p.Arg767His) missense change has a maximum subpopulation frequency of 0.010% in gnomAD v2.1.1. The in silico tool REVEL predicts a benign effect on protein function, but to our knowledge this prediction has not been confirmed by functional studies. To our knowledge, this variant has not been reported in the literature in individuals with a personal or family history of Wilms tumor. In summary, the evidence currently available is insufficient to determine the clinical significance of this variant. It has therefore been classified as of uncertain significance.

Ambry Genetics
Classification: Uncertain significance. Last evaluated: 2021-09-21. Review status: criteria provided, single submitter. Criteria: Ambry Variant Classification Scheme 2023. Collection method: clinical testing. Allele origin: germline.